The following is an entry in ClinVar:

ClinVar aggregate classification (germline): Uncertain significance (1 of 4 stars; one submission).

Conditions:
Desbuquois dysplasia 1 (DBQD1). Also called: DESBUQUOIS DYSPLASIA 1, KIM VARIANT; MICROMELIC DWARFISM WITH VERTEBRAL AND METAPHYSEAL ABNORMALITIES AND ADVANCED CARPOTARSAL OSSIFICATION. Identifiers: Orphanet 1425, MedGen C4012146, MONDO:0009629, OMIM 251450.

Allele frequency attached by ClinVar (database versions not stated): gnomAD 0.00001 and 0.00002; gnomAD exomes 0.00001; TOPMed 0.00001; 1000 Genomes Project 30x 0.00016.
gnomAD v4.1: 13 of 1,231,132 alleles (0.0011%); highest among the groups gnomAD compares: Admixed American, 0.0042%; no homozygotes.

Submission:

Labcorp Genetics (formerly Invitae), Labcorp
Classification: Uncertain significance for Desbuquois dysplasia 1. Last evaluated: 2025-06-20. Review status: criteria provided, single submitter. Criteria: Invitae Variant Classification Sherloc (09022015). Collection method: clinical testing. Allele origin: germline.
Comment: This sequence change replaces alanine, which is neutral and non-polar, with valine, which is neutral and non-polar, at codon 118 of the XYLT1 protein (p.Ala118Val). This variant is not present in population databases (gnomAD no frequency). This variant has not been reported in the literature in individuals affected with XYLT1-related conditions. ClinVar contains an entry for this variant (Variation ID: 856483). Invitae Evidence Modeling of protein sequence and biophysical properties (such as structural, functional, and spatial information, amino acid conservation, physicochemical variation, residue mobility, and thermodynamic stability) indicates that this missense variant is not expected to disrupt XYLT1 protein function with a negative predictive value of 80%. In summary, the available evidence is currently insufficient to determine the role of this variant in disease. Therefore, it has been classified as a Variant of Uncertain Significance.

NM_022166.4(XYLT1):c.353C>T (p.Ala118Val)

Gene: XYLT1 (xylosyltransferase 1; minus strand). Cytogenetic location: 16p12.3.
Variant type: single nucleotide variant.
Coding change: c.353C>T on transcript NM_022166.4 (MANE Select); coding-DNA position 353, C replaced by T.
Protein change: p.Ala118Val; replaces alanine 118 with valine.
Molecular consequence: missense variant.
Genome position (GRCh38, 1-based): chr16:17,470,444, G>A on the plus strand (C>T on the coding strand, the complement: XYLT1 is on the minus strand). VCF-style: chr16-17470444-G-A. GRCh37 (hg19) VCF-style: chr16-17564301-G-A.
Other names: short protein forms A118V.
Identifiers: ClinVar variation 856483 (VCV000856483.9), dbSNP rs1229787594, ClinGen allele CA395219893.
Genomic context (GRCh38, chr16:17,470,444, plus strand): 5'-TGCCTTCCTCCCTCCCTCGCCGCGGGGCGCGAGCCGAAAGGGCATCTTACCAGAGCCCGG[G>A]CGGGCAGTGCCCCCCGGCTGGCCGGCTGCTGTCCCCGCGGTTCTCCGGGGCCGCCTCCCC-3'
Protein context (NP_071449.1, residues 108-128): QQPASRGALP[Ala118Val]RALDPHPSPL